The following is an entry in ClinVar:

ClinVar aggregate classification (germline): Conflicting classifications of pathogenicity. Review status: criteria provided, conflicting classifications (1 of 4 stars). 5 submissions from 5 submitters: Uncertain significance (3); Likely benign (2). Last evaluated 2025-12-09.

Conditions:
ODAD2-related disorder. Also called: ODAD2-related condition.
Primary ciliary dyskinesia 23 (CILD23). Also called: CILIARY DYSKINESIA, PRIMARY, 23, WITH OR WITHOUT SITUS INVERSUS. Identifiers: Orphanet 244, MedGen C3809548, MONDO:0014193, OMIM 615451.
Primary ciliary dyskinesia. Also called: Ciliary dyskinesia. Identifiers: Orphanet 244, MedGen C0008780, MONDO:0016575, HP:0012265.

Allele frequency attached by ClinVar (database versions not stated): gnomAD 0.00036; TOPMed 0.00039; ESP Exome Variant Server 0.00062; 1000 Genomes Project 30x 0.00078; 1000 Genomes Project 0.00080; gnomAD exomes 0.00003 and 0.00012; ExAC 0.00012.
gnomAD v4.1: 107 of 1,600,804 alleles (0.0067%); highest among the groups gnomAD compares: African/African-American, 0.12%; no homozygotes.

Submissions (5):

Labcorp Genetics (formerly Invitae), Labcorp
Classification: Uncertain significance for Primary ciliary dyskinesia 23. Last evaluated: 2025-12-09. Review status: criteria provided, single submitter. Criteria: Invitae Variant Classification Sherloc (09022015). Collection method: clinical testing. Allele origin: germline.
Comment: This sequence change replaces serine, which is neutral and polar, with asparagine, which is neutral and polar, at codon 426 of the ARMC4 protein (p.Ser426Asn). This variant is present in population databases (rs143513621, gnomAD 0.1%). This variant has not been reported in the literature in individuals affected with ARMC4-related conditions. ClinVar contains an entry for this variant (Variation ID: 474572). An algorithm developed to predict the effect of missense changes on protein structure and function (PolyPhen-2) suggests that this variant is likely to be tolerated. In summary, the available evidence is currently insufficient to determine the role of this variant in disease. Therefore, it has been classified as a Variant of Uncertain Significance.

PreventionGenetics, part of Exact Sciences
Classification: Likely benign for ODAD2-related condition. Last evaluated: 2025-08-25. Review status: criteria provided, single submitter. Criteria: ACMG Guidelines, 2015. Collection method: clinical testing. Allele origin: germline.
Comment: This variant is classified as likely benign based on ACMG/AMP sequence variant interpretation guidelines (Richards et al. 2015 PMID: 25741868, with internal and published modifications).

Blueprint Genetics
Classification: Uncertain significance. Last evaluated: 2024-11-01. Review status: criteria provided, single submitter. Criteria: ACMG Guidelines, 2015. Collection method: clinical testing. Allele origin: germline.

Ambry Genetics
Classification: Likely benign for Primary ciliary dyskinesia. Last evaluated: 2021-07-27. Review status: criteria provided, single submitter. Criteria: Ambry Variant Classification Scheme 2023. Collection method: clinical testing. Allele origin: germline.

Breakthrough Genomics
Classification: Uncertain significance. Review status: criteria provided, single submitter. Criteria: ACMG Guidelines, 2015. Collection method: not provided. Allele origin: germline. Inheritance: Autosomal recessive inheritance. Affected: yes.

NM_018076.5(ODAD2):c.1277G>A (p.Ser426Asn)

Gene: ODAD2 (outer dynein arm docking complex subunit 2; minus strand). Cytogenetic location: 10p12.1.
Variant type: single nucleotide variant.
Coding change: c.1277G>A on transcript NM_018076.5 (MANE Select); coding-DNA position 1277, G replaced by A.
Protein change: p.Ser426Asn; replaces serine 426 with asparagine.
Molecular consequence: missense variant. On other transcripts: 5 prime UTR variant (1).
Genome position (GRCh38, 1-based): chr10:27,961,677, C>T on the plus strand (G>A on the coding strand, the complement: ODAD2 is on the minus strand). VCF-style: chr10-27961677-C-T. GRCh37 (hg19) VCF-style: chr10-28250606-C-T.
Other names: c.1277G>A (NM_018076.4); c.1277G>A, p.Ser426Asn (NM_001290020.2); c.-149G>A (NM_001290021.2); c.353G>A, p.Ser118Asn (NM_001312689.2); short protein forms S426N, S118N.
Identifiers: ClinVar variation 474572 (VCV000474572.13), dbSNP rs143513621, ClinGen allele CA5453591.
Genomic context (GRCh38, chr10:27,961,677, plus strand): 5'-TCTGCACTTGCTTCCTGACGATGGTCAGGTGGTTCTTCATCTTCCTCACTTTCTGAGGAG[C>T]TATCGCTAACAGTTTCCTCAATCTTTTCAGCACTCTTCCTAAGAACAATAACAACACACA-3'
Protein context (NP_060546.2, residues 416-436): AEKIEETVSD[Ser426Asn]SSESEEDEEP